The following is an entry in ClinVar:

ClinVar aggregate classification (germline): Uncertain significance (1 of 4 stars; one submission).

Submission:

Labcorp Genetics (formerly Invitae), Labcorp
Classification: Uncertain significance. Last evaluated: 2024-12-09. Review status: criteria provided, single submitter. Criteria: Invitae Variant Classification Sherloc (09022015). Collection method: clinical testing. Allele origin: germline.
Comment: This sequence change replaces asparagine, which is neutral and polar, with serine, which is neutral and polar, at codon 622 of the FGFR3 protein (p.Asn622Ser). This variant is not present in population databases (gnomAD no frequency). This variant has not been reported in the literature in individuals affected with FGFR3-related conditions. ClinVar contains an entry for this variant (Variation ID: 2134195). Invitae Evidence Modeling of protein sequence and biophysical properties (such as structural, functional, and spatial information, amino acid conservation, physicochemical variation, residue mobility, and thermodynamic stability) indicates that this missense variant is expected to disrupt FGFR3 protein function with a positive predictive value of 95%. In summary, the available evidence is currently insufficient to determine the role of this variant in disease. Therefore, it has been classified as a Variant of Uncertain Significance.

NM_000142.5(FGFR3):c.1865A>G (p.Asn622Ser)

Gene: FGFR3 (fibroblast growth factor receptor 3; plus strand). Cytogenetic location: 4p16.3.
Variant type: single nucleotide variant.
Coding change: c.1865A>G on transcript NM_000142.5 (MANE Select); coding-DNA position 1865, A replaced by G.
Protein change: p.Asn622Ser; replaces asparagine 622 with serine.
Molecular consequence: missense variant. On other transcripts: non-coding transcript variant (1).
Genome position (GRCh38, 1-based): chr4:1,806,079, A>G. VCF-style: chr4-1806079-A-G. GRCh37 (hg19) VCF-style: chr4-1807806-A-G.
Other names: c.1871A>G, p.Asn624Ser (NM_001163213.2); c.1868A>G, p.Asn623Ser (NM_001354809.2, NM_001354810.2); c.1529A>G, p.Asn510Ser (NM_022965.4); short protein forms N622S, N624S, N510S, N623S.
Identifiers: ClinVar variation 2134195 (VCV002134195.4), dbSNP rs2108806571, ClinGen allele CA355982320.
Genomic context (GRCh38, chr4:1,806,079, plus strand): 5'-GGCTTCAGCCCTGCCTCCCACCCCTTCCCCAGTGCATCCACAGGGACCTGGCTGCCCGCA[A>G]TGTGCTGGTGACCGAGGACAACGTGATGAAGATCGCAGACTTCGGGCTGGCCCGGGACGT-3'
Protein context (NP_000133.1, residues 612-632): KCIHRDLAAR[Asn622Ser]VLVTEDNVMK